The following is an entry in ClinVar:

ClinVar aggregate classification (germline): Uncertain significance (1 of 4 stars; one submission).

Conditions:
Muscular dystrophy-dystroglycanopathy (congenital with brain and eye anomalies), type a, 8 (MDDGA8). Also called: WALKER-WARBURG SYNDROME OR MUSCLE-EYE-BRAIN DISEASE, GTDC2-RELATED. Identifiers: Orphanet 899, MedGen C3553813, MONDO:0013904, OMIM 614830.

Allele frequency attached by ClinVar (database versions not stated): ExAC 0.00001; gnomAD 0.00001; gnomAD exomes 0.00001.

Submission:

Labcorp Genetics (formerly Invitae), Labcorp
Classification: Uncertain significance for Muscular dystrophy-dystroglycanopathy (congenital with brain and eye anomalies), type a, 8. Last evaluated: 2022-07-17. Review status: criteria provided, single submitter. Criteria: Invitae Variant Classification Sherloc (09022015). Collection method: clinical testing. Allele origin: germline.
Comment: This sequence change replaces asparagine, which is neutral and polar, with serine, which is neutral and polar, at codon 160 of the POMGNT2 protein (p.Asn160Ser). This variant is present in population databases (rs769772679, gnomAD 0.006%). This variant has not been reported in the literature in individuals affected with POMGNT2-related conditions. ClinVar contains an entry for this variant (Variation ID: 1056392). Algorithms developed to predict the effect of missense changes on protein structure and function (SIFT, PolyPhen-2, Align-GVGD) all suggest that this variant is likely to be disruptive. Algorithms developed to predict the effect of sequence changes on RNA splicing suggest that this variant may create or strengthen a splice site. In summary, the available evidence is currently insufficient to determine the role of this variant in disease. Therefore, it has been classified as a Variant of Uncertain Significance.

NM_032806.6(POMGNT2):c.479A>G (p.Asn160Ser)

Gene: POMGNT2 (protein O-linked mannose N-acetylglucosaminyltransferase 2 (beta 1,4-); minus strand). Cytogenetic location: 3p22.1.
Variant type: single nucleotide variant.
Coding change: c.479A>G on transcript NM_032806.6 (MANE Select); coding-DNA position 479, A replaced by G.
Protein change: p.Asn160Ser; replaces asparagine 160 with serine.
Molecular consequence: missense variant.
Genome position (GRCh38, 1-based): chr3:43,080,953, T>C on the plus strand (A>G on the coding strand, the complement: POMGNT2 is on the minus strand). VCF-style: chr3-43080953-T-C. GRCh37 (hg19) VCF-style: chr3-43122445-T-C.
Other names: short protein forms N160S.
Identifiers: ClinVar variation 1056392 (VCV001056392.2), dbSNP rs769772679, ClinGen allele CA2340065.